The following is an entry in ClinVar:

ClinVar aggregate classification (germline): Pathogenic (1 of 4 stars; one submission).

Conditions:
Hereditary cancer-predisposing syndrome. Also called: Tumor predisposition; Neoplastic Syndromes, Hereditary; Hereditary Cancer Syndrome; Hereditary neoplastic syndrome. Identifiers: Orphanet 140162, MedGen C0027672, MeSH D009386, MONDO:0015356.

Submission:

Ambry Genetics
Classification: Pathogenic for Hereditary cancer-predisposing syndrome. Last evaluated: 2024-08-19. Review status: criteria provided, single submitter. Criteria: Ambry Variant Classification Scheme 2023. Collection method: clinical testing. Allele origin: germline.
Comment: The c.5221delA pathogenic mutation, located in coding exon 10 of the BRCA2 gene, results from a deletion of one nucleotide at nucleotide position 5221, causing a translational frameshift with a predicted alternate stop codon (p.S1741Vfs*36). This variant is considered to be rare based on population cohorts in the Genome Aggregation Database (gnomAD). This alteration is expected to result in loss of function by premature protein truncation or nonsense-mediated mRNA decay. As such, this alteration is interpreted as a disease-causing mutation.

NM_000059.4(BRCA2):c.5221del (p.Ser1741fs)

Gene: BRCA2 (BRCA2 DNA repair associated; plus strand). Cytogenetic location: 13q13.1.
Variant type: Deletion.
Coding change: c.5221del on transcript NM_000059.4 (MANE Select); coding-DNA position 5221, one base deleted (A; older notation c.5221delA).
Protein change: p.Ser1741fs; shifts the reading frame from serine 1741.
Molecular consequence: frameshift variant. On other transcripts: non-coding transcript variant (1), intron variant (2).
Genome position (GRCh38, 1-based): chr13:32,339,576, A deleted; the last of 2 consecutive A bases (chr13:32,339,575-32,339,576); deleting either gives the same sequence. VCF-style (leftmost placement, unchanged base first): chr13-32339574-TA-T. GRCh37 (hg19) VCF-style: chr13-32913711-TA-T.
Other names: c.5221del, p.Ser1741fs (NM_001406719.1, NM_001406720.1, NM_001432077.1); c.1910-4982del (NM_001406721.1); c.425-4982del (NM_001406722.1); short protein forms S1741fs.
Identifiers: ClinVar variation 3482044 (VCV003482044.1).
Genomic context (GRCh38, chr13:32,339,574, plus strand): 5'-CAAACAGTACTATAGCTGAAAATGACAAAAATCATCTCTCCGAAAAACAAGATACTTATT[TA>T]AGTAACAGTAGCATGTCTAACAGCTATTCCTACCATTCTGATGAGGTATATAATGATTCA-3'